The following is an entry in ClinVar:

ClinVar aggregate classification (germline): Conflicting classifications of pathogenicity. Review status: criteria provided, conflicting classifications (1 of 4 stars). 6 submissions from 6 submitters: Uncertain significance (1); Benign (2); Likely benign (2). 1 of the submissions does not count toward it. Last evaluated 2026-01-28.

Conditions:
Developmental and epileptic encephalopathy, 21 (DEE21). Also called: Early infantile epileptic encephalopathy 21. Identifiers: Orphanet 442835, MedGen C4014430, MONDO:0014360, OMIM 615833.
NECAP1-related disorder. Also called: NECAP1-related condition.

Allele frequency attached by ClinVar (database versions not stated): gnomAD exomes 0.00038 and 0.00130; ExAC 0.00160; gnomAD 0.00461 and 0.00491; TOPMed 0.00515; ESP Exome Variant Server 0.00531; 1000 Genomes Project 0.00619; 1000 Genomes Project 30x 0.00750.
gnomAD v4.1: 1,302 of 1,613,910 alleles (0.081%); highest among the groups gnomAD compares: African/African-American, 1.5%; 12 homozygotes.

Submissions (6):

Labcorp Genetics (formerly Invitae), Labcorp
Classification: Benign for Developmental and epileptic encephalopathy, 21. Last evaluated: 2026-01-28. Review status: criteria provided, single submitter. Criteria: Invitae Variant Classification Sherloc (09022015). Collection method: clinical testing. Allele origin: germline.

CeGaT Center for Human Genetics Tuebingen
Classification: Likely benign. Last evaluated: 2025-07-01. Review status: criteria provided, single submitter. Criteria: CeGaT Center For Human Genetics Tuebingen Variant Classification Criteria Version 2. Collection method: clinical testing. Allele origin: germline. Affected: yes. Observed: 1 variant allele.
Comment: NECAP1: BS1

Blueprint Genetics
Classification: Likely benign. Last evaluated: 2024-11-13. Review status: criteria provided, single submitter. Criteria: ACMG Guidelines, 2015. Collection method: clinical testing. Allele origin: germline.

New York Genome Center
Classification: Uncertain significance for Developmental and epileptic encephalopathy, 21. Last evaluated: 2019-12-13. Review status: criteria provided, single submitter. Criteria: NYGC Assertion Criteria 2020. Collection method: clinical testing. Allele origin: germline. Observed: 1 heterozygote. Study: CSER-NYCKidSeq.

Breakthrough Genomics
Classification: Benign. Review status: criteria provided, single submitter. Criteria: ACMG Guidelines, 2015. Collection method: not provided. Allele origin: germline. Inheritance: Autosomal recessive inheritance. Affected: yes.

PreventionGenetics, part of Exact Sciences
Classification: Benign for NECAP1-related condition. Last evaluated: 2022-10-12. Review status: no assertion criteria provided. Collection method: clinical testing. Allele origin: germline. Not counted in ClinVar's aggregate classification.
Comment: This variant is classified as benign based on ACMG/AMP sequence variant interpretation guidelines (Richards et al. 2015 PMID: 25741868, with internal and published modifications).

NM_015509.4(NECAP1):c.670G>A (p.Asp224Asn)

Gene: NECAP1 (NECAP endocytosis associated 1; plus strand). Cytogenetic location: 12p13.31.
Variant type: single nucleotide variant.
Coding change: c.670G>A on transcript NM_015509.4 (MANE Select); coding-DNA position 670, G replaced by A.
Protein change: p.Asp224Asn; replaces aspartic acid 224 with asparagine.
Molecular consequence: missense variant. On other transcripts: non-coding transcript variant (1).
Genome position (GRCh38, 1-based): chr12:8,093,049, G>A. VCF-style: chr12-8093049-G-A. GRCh37 (hg19) VCF-style: chr12-8245645-G-A.
Other names: short protein forms D224N.
Identifiers: ClinVar variation 475008 (VCV000475008.27), dbSNP rs2231752, ClinGen allele CA6432326.